The following is an entry in ClinVar:

ClinVar aggregate classification (germline): Pathogenic (1 of 4 stars; one submission).

Conditions:
Chuvash polycythemia. Also called: POLYCYTHEMIA, VHL-DEPENDENT. Identifiers: Orphanet 238557, MedGen C1837915, MONDO:0009892, OMIM 263400.
Von Hippel-Lindau syndrome (VHLS). Also called: Von Hippel-Lindau; von Hippel–Lindau syndrome; VHL syndrome. Identifiers: Orphanet 892, MedGen C0019562, MONDO:0008667, OMIM 193300. Disease mechanism: loss of function.

Submission:

Labcorp Genetics (formerly Invitae), Labcorp
Classification: Pathogenic for Von Hippel-Lindau syndrome; Chuvash polycythemia. Last evaluated: 2021-04-23. Review status: criteria provided, single submitter. Criteria: Invitae Variant Classification Sherloc (09022015). Collection method: clinical testing. Allele origin: germline.
Comment: This variant is not present in population databases (ExAC no frequency). For these reasons, this variant has been classified as Pathogenic. This variant has been observed in individual(s) with clinical features of von Hippel-Lindau syndrome (PMID: 21463266). This sequence change creates a premature translational stop signal (p.Arg107Profs*25) in the VHL gene. It is expected to result in an absent or disrupted protein product. Loss-of-function variants in VHL are known to be pathogenic (PMID: 8956040, 12202531).

Literature cited by the submitters: PubMed 21463266; PubMed 8956040; PubMed 12202531.

NM_000551.4(VHL):c.314dup (p.Arg107fs)

Gene: VHL (von Hippel-Lindau tumor suppressor; plus strand). Cytogenetic location: 3p25.3.
Variant type: Duplication.
Coding change: c.314dup on transcript NM_000551.4 (MANE Select); coding-DNA position 314, one base duplicated (C; older notation c.314dupC).
Protein change: p.Arg107fs; shifts the reading frame from arginine 107.
Molecular consequence: frameshift variant.
Genome position (GRCh38, 1-based): chr3:10,142,161, C duplicated. VCF-style (leftmost placement, unchanged base first): chr3-10142160-A-AC. GRCh37 (hg19) VCF-style: chr3-10183844-A-AC.
Other names: c.314dup, p.Arg107fs (NM_001354723.2, NM_198156.3); short protein forms R107fs.
Identifiers: ClinVar variation 1448469 (VCV001448469.8), dbSNP rs2125125325, ClinGen allele CA2573136089.